The following is an entry in ClinVar:

NM_000535.7(PMS2):c.2264T>C (p.Ile755Thr)

Gene: PMS2 (PMS1 homolog 2, mismatch repair system component; minus strand). Cytogenetic location: 7p22.1.
Variant type: single nucleotide variant.
Coding change: c.2264T>C on transcript NM_000535.7 (MANE Select); coding-DNA position 2264, T replaced by C.
Protein change: p.Ile755Thr; replaces isoleucine 755 with threonine.
Molecular consequence: missense variant. On other transcripts: non-coding transcript variant (1).
Genome position (GRCh38, 1-based): chr7:5,978,607, A>G on the plus strand (T>C on the coding strand, the complement: PMS2 is on the minus strand). VCF-style: chr7-5978607-A-G. GRCh37 (hg19) VCF-style: chr7-6018238-A-G.
Other names: c.1859T>C, p.Ile620Thr (NM_001322003.2, NM_001322004.2, NM_001322005.2 and 1 more transcripts); c.2108T>C, p.Ile703Thr (NM_001322006.2); c.1946T>C, p.Ile649Thr (NM_001322007.2, NM_001322008.2); c.1703T>C, p.Ile568Thr (NM_001322010.2); c.1331T>C, p.Ile444Thr (NM_001322011.2, NM_001322012.2); c.1691T>C, p.Ile564Thr (NM_001322013.2); c.2264T>C, p.Ile755Thr (NM_001322014.2); c.1955T>C, p.Ile652Thr (NM_001322015.2); short protein forms I755T, I564T, I649T, I444T, I568T, I703T, I620T, I652T.
Identifiers: ClinVar variation 41710 (VCV000041710.16), dbSNP rs386833410, ClinGen allele CA011154.
Genomic context (GRCh38, chr7:5,978,607, plus strand): 5'-AGACGTGAGCCACCACACCCAGCCGCTATAGTTCTAATTAATAACTTACCATTTTCATCG[A>G]TAACAAAATCAAAGCCATTCTTTCTAAATATTTCCAGATTTTCTATCAGAACAGCTTCAT-3'
Protein context (NP_000526.2, residues 745-765): IFRKNGFDFV[Ile755Thr]DENAPVTERA

ClinVar aggregate classification (germline): Uncertain significance. Review status: criteria provided, multiple submitters, no conflicts (2 of 4 stars). 12 submissions from 12 submitters: Uncertain significance (10). 2 of the submissions do not count toward it. Last evaluated 2024-11-26.

Conditions:
Breast and/or ovarian cancer. Identifiers: MedGen CN221562.
Hereditary cancer-predisposing syndrome. Also called: Hereditary Cancer Syndrome; Neoplastic Syndromes, Hereditary; Hereditary neoplastic syndrome; Tumor predisposition. Identifiers: Orphanet 140162, MedGen C0027672, MeSH D009386, MONDO:0015356.
Lynch syndrome. Identifiers: Orphanet 144, MedGen C4552100, MONDO:0005835. Disease mechanism: loss of function.

Allele frequency attached by ClinVar (database versions not stated): gnomAD 0.00002; gnomAD exomes 0.00001.

Submissions (12):

Blueprint Genetics
Classification: Uncertain significance. Last evaluated: 2024-11-26. Review status: criteria provided, single submitter. Criteria: ACMG Guidelines, 2015. Collection method: clinical testing. Allele origin: germline.

Hema, HEMA – Genetic and Molecular Diagnostic Laboratory
Classification: Uncertain significance for Lynch syndrome. Last evaluated: 2024-09-26. Review status: criteria provided, single submitter. Criteria: HEMA Variant Classification Assertion Criteria. Collection method: clinical testing. Allele origin: germline.
Comment: It is a transition from adenine to guanine, resulting in the substitution of isoleucine 755 with threonine in the PMS2 protein. PM2_Supporting: Present at very low frequency in gnomAD.

Color Diagnostics, LLC DBA Color Health
Classification: Uncertain significance for Hereditary cancer-predisposing syndrome. Last evaluated: 2024-04-08. Review status: criteria provided, single submitter. Criteria: ACMG Guidelines, 2015. Collection method: clinical testing. Allele origin: germline.
Comment: This missense variant replaces isoleucine with threonine at codon 755 of the PMS2 protein. Computational prediction is inconclusive regarding the impact of this variant on protein structure and function. To our knowledge, functional studies have not been reported for this variant. This variant has been reported in an individual affected with Lynch syndrome (PMID: 26437257). This variant has not been identified in the general population by the Genome Aggregation Database (gnomAD). The available evidence is insufficient to determine the role of this variant in disease conclusively. Therefore, this variant is classified as a Variant of Uncertain Significance.

CHEO Genetics Diagnostic Laboratory, Children's Hospital of Eastern Ontario
Classification: Uncertain significance for Breast and/or ovarian cancer. Last evaluated: 2022-09-16. Review status: criteria provided, single submitter. Criteria: ACMG Guidelines, 2015. Collection method: clinical testing. Allele origin: germline.

Ambry Genetics
Classification: Uncertain significance for Hereditary cancer-predisposing syndrome. Last evaluated: 2022-07-20. Review status: criteria provided, single submitter. Criteria: Ambry Variant Classification Scheme 2023. Collection method: clinical testing. Allele origin: germline.
Comment: The p.I755T variant (also known as c.2264T>C), located in coding exon 13 of the PMS2 gene, results from a T to C substitution at nucleotide position 2264. The isoleucine at codon 755 is replaced by threonine, an amino acid with similar properties. This variant was detected as a secondary finding in 1 out of 572 ClinSeq participants, unselected for personal or family history of cancer, who underwent exome sequencing; however, clinical information for this particular individual was not provided (Johnston JJ et al. Am J Hum Genet, 2012 Jul;91:97-108; Pinard A et al. Hum Mutat, 2016 12;37:1299-1307). This variant was also observed in 1/3251 individuals who met eligibility criteria for hereditary breast and ovarian cancer syndrome (Lerner-Ellis J et al. J Cancer Res Clin Oncol, 2021 Mar;147:871-879). This amino acid position is well conserved in available vertebrate species. In addition, the in silico prediction for this alteration is inconclusive. Since supporting evidence is limited at this time, the clinical significance of this alteration remains unclear.

Institute for Clinical Genetics, University Hospital TU Dresden, University Hospital TU Dresden
Classification: Uncertain significance. Last evaluated: 2021-11-03. Review status: criteria provided, single submitter. Criteria: ACMG Guidelines, 2015. Collection method: clinical testing. Allele origin: germline.

Sema4
Classification: Uncertain significance for Hereditary cancer-predisposing syndrome. Last evaluated: 2021-09-01. Review status: criteria provided, single submitter. Criteria: Sema4 Curation Guidelines. Collection method: curation. Allele origin: germline.
Comment: The PMS2 c.2264T>C (p.I755T) variant has been reported in heterozygosity in at least two individuals with Lynch syndrome (PMID: 26437257, 32659967). The variant has also been reported in at least one individual with breast cancer (PMID: 33471991) as well as an individual with atherosclerosis (PMID: 22703879). It was observed in 4/280296 chromosomes in the large and broad cohorts of the Genome Aggregation Database (PMID: 32461654). The variant has been reported in ClinVar (Variation ID 41710). Functional studies have not been performed, and in silico predictions of the variant's effect on protein function are inconclusive. The evidence is insufficient to meet ACMG/AMP criteria for classifying the variant as benign or pathogenic. Thus, the clinical significance of this variant is currently uncertain.

Mendelics
Classification: Uncertain significance for Lynch syndrome. Last evaluated: 2018-07-02. Review status: criteria provided, single submitter. Criteria: Mendelics Assertion Criteria 2017. Collection method: clinical testing. Allele origin: unknown.

Women's Health and Genetics/Laboratory Corporation of America, LabCorp
Classification: Uncertain significance. Last evaluated: 2016-01-25. Review status: criteria provided, single submitter. Criteria: LabCorp Variant Classification Summary - May 2015. Collection method: clinical testing. Allele origin: germline.
Comment: Variant summary: The c.2264T>C variant affects a conserved nucleotide, resulting in amino acid change from Ile to Thr. 4/4 in-silico tools predict damaging outcome for this variant (SNPs&GO not captured due to low reliability index). 5/5 programs in Alamut predict that this variant does not affect normal splicing. ESE finder predicts that this variant may create multiple ESE sites. However, these predictions are not confirmed by experimental studies. This variant has been reported in one patient with colon cancer (Carneiro da Silva_2015), but not found in 114882 control chromosomes. Because of the insufficient evidence and the lack of functional studies, the variant was classified as a variant of uncertain significance (VUS) until additional information becomes available.

GeneDx
Classification: Uncertain significance. Last evaluated: 2014-09-13. Review status: criteria provided, single submitter. Criteria: GeneDx Variant Classification (06012015). Collection method: clinical testing. Allele origin: germline. Affected: yes.
Comment: This variant is denoted PMS2 c.2264T>C at the cDNA level, p.Ile755Thr (I755T) at the protein level, and results in the change of an Isoleucine to a Threonine (ATC>ACC). This variant has not, to our knowledge, been published in the literature as pathogenic or benign. PMS2 Ile755Thr was not observed in approximately 6,500 individuals of European and African American ancestry in the NHLBI Exome Sequencing Project, indicating it is not a common benign variant in these populations. Since Isoleucine and Threonine differ in polarity, charge, size or other properties, this is considered a non-conservative amino acid substitution. PMS2 Ile755Thr occurs at a position that is conserved across species and is located in the C-terminal nuclease domain (Fukui 2012). In silico analyses predict that this variant is probably damaging to protein structure and function. Based on currently available information, it is unclear whether PMS2 Ile755Thr is pathogenic or benign. We consider it to be a variant of uncertain significance.

Biesecker Lab/Clinical Genomics Section, National Institutes of Health
Classification: Uncertain significance. Last evaluated: 2012-07-13. Review status: no assertion criteria provided. Collection method: research. Allele origin: germline. Affected: no. Observed: 1 variant allele. Study: ClinSeq. Not counted in ClinVar's aggregate classification.
ClinVar note: Converted during submission from variant of unknown significance to Uncertain significance.

Department of Pathology and Laboratory Medicine, Sinai Health System
Classification: Uncertain significance. Review status: no assertion criteria provided. Collection method: clinical testing. Allele origin: unknown. Affected: yes. Study: The Canadian Open Genetics Repository (COGR). Not counted in ClinVar's aggregate classification.
Comment: The PMS2 p.Ile755Thr variant was identified in 3 of 3098 proband chromosomes (frequency: 0.001) from individuals or families with Lynch syndrome (Carneiro da Silva 2015, Johnston 2012, Rossi 2017). The variant was also identified in dbSNP (ID: rs386833410) as "With Uncertain significance allele", and in ClinVar (classified as uncertain significance by GeneDx and three other submitters). The variant was identified in control databases in 3 of 244428 chromosomes at a frequency of 0.00001 (Genome Aggregation Database Feb 27, 2017). The variant was observed in the following populations: European in 2 of 110452 chromosomes (freq: 0.00002), Finnish in 1 of 22160 chromosomes (freq: 0.00005), while the variant was not observed in the African, Other, Latino, Ashkenazi Jewish, East Asian, and South Asian populations. The p.Ile755 residue is conserved in mammals but not in more distantly related organisms, and computational analyses (PolyPhen-2, SIFT, AlignGVGD, BLOSUM, MutationTaster) suggest that the variant may impact the protein; however, this information is not predictive enough to assume pathogenicity. The variant occurs outside of the splicing consensus sequence and in silico or computational prediction software programs (SpliceSiteFinder, MaxEntScan, NNSPLICE, GeneSplicer) do not predict a difference in splicing. In summary, based on the above information the clinical significance of this variant cannot be determined with certainty at this time. This variant is classified as a variant of uncertain significance.

Literature cited by the submitters: PubMed 26437257 (cited by 4 submitters); PubMed 27600092 (cited by Ambry Genetics); PubMed 28874130 (cited by Ambry Genetics); PubMed 32659967 (cited by Ambry Genetics and Sema4); PubMed 32885271 (cited by Ambry Genetics); PubMed 33471991 (cited by Sema4).